The following is an entry in ClinVar:

NM_177438.3(DICER1):c.2121A>G (p.Glu707=)

Gene: DICER1 (dicer 1, ribonuclease III; minus strand). Cytogenetic location: 14q32.13.
Variant type: single nucleotide variant.
Coding change: c.2121A>G on transcript NM_177438.3 (MANE Select); coding-DNA position 2121, A replaced by G.
Protein change: p.Glu707=; no amino-acid change (glutamic acid 707 retained).
Molecular consequence: synonymous variant.
Genome position (GRCh38, 1-based): chr14:95,111,452, T>C on the plus strand (A>G on the coding strand, the complement: DICER1 is on the minus strand). VCF-style: chr14-95111452-T-C. GRCh37 (hg19) VCF-style: chr14-95577789-T-C.
Other names: c.2121A>G, p.Glu707= (NM_001195573.1, NM_001271282.3, NM_001291628.2 and 1 more transcripts).
Identifiers: ClinVar variation 820757 (VCV000820757.15), dbSNP rs773120924, ClinGen allele CA7331298.

ClinVar aggregate classification (germline): Benign/Likely benign. Review status: criteria provided, multiple submitters, no conflicts (2 of 4 stars). 4 submissions from 4 submitters: Benign (1); Likely benign (3). Last evaluated 2026-04-16.

Conditions:
DICER1-related tumor predisposition. Also called: DICER1 syndrome; DICER1-related pleuropulmonary blastoma cancer predisposition syndrome. Identifiers: Orphanet 284343, MedGen C3839822, MONDO:0100216.
Hereditary cancer-predisposing syndrome. Also called: Tumor predisposition; Hereditary Cancer Syndrome; Hereditary neoplastic syndrome; Neoplastic Syndromes, Hereditary. Identifiers: Orphanet 140162, MedGen C0027672, MeSH D009386, MONDO:0015356.

Allele frequency attached by ClinVar (database versions not stated): gnomAD exomes 0.00004 and 0.00002; ExAC 0.00006.
gnomAD v4.1: 13 of 1,614,130 alleles (0.00081%); highest among the groups gnomAD compares: Non-Finnish European, 0.001%; no homozygotes.

Submissions (4):

Myriad Genetics, Inc.
Classification: Benign for DICER1-related tumor predisposition. Last evaluated: 2026-04-16. Review status: criteria provided, single submitter. Criteria: Myriad Autosomal Dominant, Autosomal Recessive and X-Linked Classification Criteria (2023). Collection method: clinical testing. Allele origin: unknown.
Comment: This variant is considered benign. This variant is a silent/synonymous amino acid change and it is not expected to impact splicing.

Labcorp Genetics (formerly Invitae), Labcorp
Classification: Likely benign for DICER1-related tumor predisposition. Last evaluated: 2025-03-31. Review status: criteria provided, single submitter. Criteria: Invitae Variant Classification Sherloc (09022015). Collection method: clinical testing. Allele origin: germline.

Quest Diagnostics Nichols Institute San Juan Capistrano
Classification: Likely benign. Last evaluated: 2021-05-13. Review status: criteria provided, single submitter. Criteria: Quest Diagnostics criteria. Collection method: clinical testing. Allele origin: unknown.

Ambry Genetics
Classification: Likely benign for Hereditary cancer-predisposing syndrome. Last evaluated: 2019-08-15. Review status: criteria provided, single submitter. Criteria: Ambry Variant Classification Scheme 2023. Collection method: clinical testing. Allele origin: germline.